The following is an entry in ClinVar:

ClinVar aggregate classification (germline): Conflicting classifications of pathogenicity. Review status: criteria provided, conflicting classifications (1 of 4 stars). 5 submissions from 5 submitters: Uncertain significance (1); Likely benign (3). 1 of the submissions does not count toward it. Last evaluated 2026-06-01.

Conditions:
Developmental delay. Also called: Delayed development. Identifiers: MedGen C0424605.

Allele frequency attached by ClinVar (database versions not stated): ExAC 0.00001; gnomAD 0.00001; TOPMed 0.00002.
gnomAD v4.1: 18 of 1,208,557 alleles (0.0015%); highest among the groups gnomAD compares: African/African-American, 0.014%; no homozygotes.

Submissions (5):

CeGaT Center for Human Genetics Tuebingen
Classification: Likely benign. Last evaluated: 2026-06-01. Review status: criteria provided, single submitter. Criteria: CeGaT Center For Human Genetics Tuebingen Variant Classification Criteria Version 2. Collection method: clinical testing. Allele origin: germline. Affected: yes. Observed: 1 variant allele.
Comment: USP9X: BS2

Labcorp Genetics (formerly Invitae), Labcorp
Classification: Likely benign. Last evaluated: 2026-01-09. Review status: criteria provided, single submitter. Criteria: Invitae Variant Classification Sherloc (09022015). Collection method: clinical testing. Allele origin: germline.

Revvity Omics, Revvity
Classification: Uncertain significance. Last evaluated: 2025-01-08. Review status: criteria provided, single submitter. Criteria: ACMG Guidelines, 2015. Collection method: clinical testing. Allele origin: germline.

Blueprint Genetics
Classification: Likely benign. Last evaluated: 2024-11-04. Review status: criteria provided, single submitter. Criteria: ACMG Guidelines, 2015. Collection method: clinical testing. Allele origin: germline.

Clinical Laboratory Sciences Program (CLSP), King Saud bin Abdulaziz University for Health Sciences (KSAU-HS)
Classification: Uncertain significance for Developmental Delay. Review status: no assertion criteria provided. Collection method: clinical testing. Allele origin: germline. Affected: yes. Not counted in ClinVar's aggregate classification.

Literature cited by the submitters: PubMed 36937954 (cited by Clinical Laboratory Sciences Program (CLSP), King Saud bin Abdulaziz University for Health Sciences (KSAU-HS)).

NM_001039591.3(USP9X):c.90G>C (p.Gln30His)

Gene: USP9X (ubiquitin specific peptidase 9 X-linked; plus strand). Cytogenetic location: Xp11.4.
Variant type: single nucleotide variant.
Coding change: c.90G>C on transcript NM_001039591.3 (MANE Select); coding-DNA position 90, G replaced by C.
Protein change: p.Gln30His; replaces glutamine 30 with histidine.
Molecular consequence: missense variant.
Genome position (GRCh38, 1-based): chrX:41,123,718, G>C. VCF-style: chrX-41123718-G-C. GRCh37 (hg19) VCF-style: chrX-40982971-G-C.
Other names: c.90G>C, p.Gln30His (NM_001039590.3, NM_001410748.1, NM_001410749.1); short protein forms Q30H.
Identifiers: ClinVar variation 2429453 (VCV002429453.13), dbSNP rs754357906, ClinGen allele CA10388257.